The following is an entry in ClinVar:

ClinVar aggregate classification (germline): Uncertain significance. Review status: criteria provided, multiple submitters, no conflicts (2 of 4 stars). 2 submissions from 2 submitters: Uncertain significance (2). Last evaluated 2025-02-09.

Conditions:
Gastrointestinal stromal tumor. Also called: Gastrointestinal stromal tumor, somatic; Gastrointestinal stroma tumor. Identifiers: Orphanet 44890, MedGen C0238198, MeSH D046152, MONDO:0011719, OMIM 606764, HP:0100723.
Hereditary cancer-predisposing syndrome. Also called: Tumor predisposition; Neoplastic Syndromes, Hereditary; Hereditary neoplastic syndrome; Hereditary Cancer Syndrome. Identifiers: Orphanet 140162, MedGen C0027672, MeSH D009386, MONDO:0015356.

Allele frequency attached by ClinVar (database versions not stated): gnomAD exomes below 0.00001; TOPMed below 0.00001; ExAC 0.00001.
gnomAD v4.1: 2 of 1,613,882 alleles (0.00012%); highest among the groups gnomAD compares: East Asian, 0.0022%; no homozygotes.

Submissions (2):

Ambry Genetics
Classification: Uncertain significance for Hereditary cancer-predisposing syndrome. Last evaluated: 2025-02-09. Review status: criteria provided, single submitter. Criteria: Ambry Variant Classification Scheme 2023. Collection method: clinical testing. Allele origin: germline.
Comment: The p.P620S variant (also known as c.1858C>T), located in coding exon 12 of the PDGFRA gene, results from a C to T substitution at nucleotide position 1858. The proline at codon 620 is replaced by serine, an amino acid with similar properties. This amino acid position is conserved. In addition, this alteration is predicted to be deleterious by in silico analysis. Based on the available evidence, the clinical significance of this variant remains unclear.

Labcorp Genetics (formerly Invitae), Labcorp
Classification: Uncertain significance for Gastrointestinal stromal tumor. Last evaluated: 2024-02-22. Review status: criteria provided, single submitter. Criteria: Invitae Variant Classification Sherloc (09022015). Collection method: clinical testing. Allele origin: germline.
Comment: This sequence change replaces proline, which is neutral and non-polar, with serine, which is neutral and polar, at codon 620 of the PDGFRA protein (p.Pro620Ser). This variant is present in population databases (rs749366763, gnomAD 0.003%). This variant has not been reported in the literature in individuals affected with PDGFRA-related conditions. ClinVar contains an entry for this variant (Variation ID: 1061341). Advanced modeling of protein sequence and biophysical properties (such as structural, functional, and spatial information, amino acid conservation, physicochemical variation, residue mobility, and thermodynamic stability) performed at Invitae indicates that this missense variant is not expected to disrupt PDGFRA protein function with a negative predictive value of 80%. In summary, the available evidence is currently insufficient to determine the role of this variant in disease. Therefore, it has been classified as a Variant of Uncertain Significance.

NM_006206.6(PDGFRA):c.1858C>T (p.Pro620Ser)

Gene: PDGFRA (platelet derived growth factor receptor alpha; plus strand). Cytogenetic location: 4q12.
Variant type: single nucleotide variant.
Coding change: c.1858C>T on transcript NM_006206.6 (MANE Select); coding-DNA position 1858, C replaced by T.
Protein change: p.Pro620Ser; replaces proline 620 with serine.
Molecular consequence: missense variant.
Genome position (GRCh38, 1-based): chr4:54,277,459, C>T. VCF-style: chr4-54277459-C-T. GRCh37 (hg19) VCF-style: chr4-55143626-C-T.
Other names: c.1858C>T (NM_006206.4); c.1858C>T, p.Pro620Ser (NM_001347827.2, NM_001347829.2); c.1933C>T, p.Pro645Ser (NM_001347828.2); c.1897C>T, p.Pro633Ser (NM_001347830.2); short protein forms P620S, P633S, P645S.
Identifiers: ClinVar variation 1061341 (VCV001061341.10), dbSNP rs749366763, ClinGen allele CA2922690.
Genomic context (GRCh38, chr4:54,277,459, plus strand): 5'-GGGTCTGGAGCGTTTGGGAAGGTGGTTGAAGGAACAGCCTATGGATTAAGCCGGTCCCAA[C>T]CTGTCATGAAAGTTGCAGTGAAGATGCTAAAACGTAAGTGCTCCTTCCTGGGGATTTTTT-3'
Protein context (NP_006197.1, residues 610-630): GTAYGLSRSQ[Pro620Ser]VMKVAVKMLK